The following is an entry in ClinVar:

NM_001242896.3(DEPDC5):c.2430C>T (p.Gly810=)

Gene: DEPDC5 (DEP domain containing 5, GATOR1 subcomplex subunit; plus strand). Cytogenetic location: 22q12.3.
Variant type: single nucleotide variant.
Coding change: c.2430C>T on transcript NM_001242896.3 (MANE Select); coding-DNA position 2430, C replaced by T.
Protein change: p.Gly810=; no amino-acid change (glycine 810 retained).
Molecular consequence: synonymous variant. On other transcripts: non-coding transcript variant (5).
Genome position (GRCh38, 1-based): chr22:31,838,760, C>T. VCF-style: chr22-31838760-C-T. GRCh37 (hg19) VCF-style: chr22-32234746-C-T.
Other names: c.2403C>T, p.Gly801= (NM_001136029.4, NM_001369903.1, NM_014662.6); c.2196C>T, p.Gly732= (NM_001242897.2, NM_001363854.2, NM_001364319.2); c.2430C>T, p.Gly810= (NM_001363852.2, NM_001364318.2, NM_001364320.2); c.2346C>T, p.Gly782= (NM_001369901.1, NM_001369902.1).
Identifiers: ClinVar variation 1159739 (VCV001159739.8), dbSNP rs1486987288, ClinGen allele CA514266933.
Genomic context (GRCh38, chr22:31,838,760, plus strand): 5'-TGTGCAGATGACAGCCCAGCAGGTATTTGAAGAGTTTATTTGCCAACGTCTCATGCAGGG[C>T]TACCAAATCATAGTGCAGCCCAAGACACAGAAACCCAATCCTGCTGTCCCGCCCCCGCTG-3'
Protein context (NP_001229825.1, residues 800-820): EEFICQRLMQ[Gly810=]YQIIVQPKTQ

ClinVar aggregate classification (germline): Likely benign. Review status: criteria provided, multiple submitters, no conflicts (2 of 4 stars). 2 submissions from 2 submitters: Likely benign (2). Last evaluated 2026-06-01.

Conditions:
Familial focal epilepsy with variable foci (FPEVF). Identifiers: Orphanet 98820, MedGen C1858477, MONDO:0020310.

Allele frequency attached by ClinVar (database versions not stated): gnomAD exomes below 0.00001.
gnomAD v4.1: 1 of 1,614,132 alleles (0.000062%); highest among the groups gnomAD compares: Admixed American, 0.0017%; no homozygotes.

Submissions (2):

CeGaT Center for Human Genetics Tuebingen
Classification: Likely benign. Last evaluated: 2026-06-01. Review status: criteria provided, single submitter. Criteria: CeGaT Center For Human Genetics Tuebingen Variant Classification Criteria Version 2. Collection method: clinical testing. Allele origin: germline. Affected: yes. Observed: 1 variant allele.
Comment: DEPDC5: BP4, BP7

Labcorp Genetics (formerly Invitae), Labcorp
Classification: Likely benign for Familial focal epilepsy with variable foci. Last evaluated: 2025-12-30. Review status: criteria provided, single submitter. Criteria: Invitae Variant Classification Sherloc (09022015). Collection method: clinical testing. Allele origin: germline.